The following is an entry in ClinVar:

ClinVar aggregate classification (germline): Likely pathogenic (1 of 4 stars; one submission).

Conditions:
Aniridia 1 (AN1). Identifiers: Orphanet 250923, MedGen C0344542, MONDO:0024507, OMIM 106210.
Irido-corneo-trabecular dysgenesis (ASGD5). Also called: ANTERIOR SEGMENT DYSGENESIS 5. Identifiers: Orphanet 708, MedGen C0344559, MONDO:0011414, OMIM 604229, HP:0000659.

Submission:

Labcorp Genetics (formerly Invitae), Labcorp
Classification: Likely pathogenic for Aniridia 1; Irido-corneo-trabecular dysgenesis. Last evaluated: 2019-04-12. Review status: criteria provided, single submitter. Criteria: Invitae Variant Classification Sherloc (09022015). Collection method: clinical testing. Allele origin: unknown.
Comment: In summary, the currently available evidence indicates that the variant is pathogenic, but additional data are needed to prove that conclusively. Therefore, this variant has been classified as Likely Pathogenic. Loss-of-function variants in PAX6 are known to be pathogenic (PMID: 12634864). This variant has not been reported in the literature in individuals with PAX6-related conditions. This variant is a deletion of the genomic region encompassing part of exon 5 (c.10+1635_70del) of the PAX6 gene. It is expected to disrupt RNA splicing and likely results in an absent or disrupted protein product.

Literature cited by the submitters: PubMed 12634864.

NC_000011.9:g.(?_31824327)_(31826319_?)del

Gene: PAX6 (paired box 6; minus strand). Cytogenetic location: 11p13.
Variant type: Deletion.
Identifiers: ClinVar variation 3244586 (VCV003244586.1).